The following is an entry in ClinVar:

NM_005802.5(TOPORS):c.133A>G (p.Ser45Gly)

Gene: TOPORS (TOP1 binding arginine/serine rich protein, E3 ubiquitin ligase; minus strand). Cytogenetic location: 9p21.1.
Variant type: single nucleotide variant.
Coding change: c.133A>G on transcript NM_005802.5 (MANE Select); coding-DNA position 133, A replaced by G.
Protein change: p.Ser45Gly; replaces serine 45 with glycine.
Molecular consequence: missense variant. On other transcripts: intron variant (1).
Genome position (GRCh38, 1-based): chr9:32,550,839, T>C on the plus strand (A>G on the coding strand, the complement: TOPORS is on the minus strand). VCF-style: chr9-32550839-T-C. GRCh37 (hg19) VCF-style: chr9-32550837-T-C.
Other names: c.3+1595A>G (NM_001195622.2); short protein forms S45G.
Identifiers: ClinVar variation 1479402 (VCV001479402.8), dbSNP rs919908818, ClinGen allele CA373173476.

ClinVar aggregate classification (germline): Uncertain significance (1 of 4 stars; one submission).

Allele frequency attached by ClinVar (database versions not stated): gnomAD exomes 0.00001.
gnomAD v4.1: 12 of 1,612,782 alleles (0.00074%); highest among the groups gnomAD compares: Non-Finnish European, 0.001%; no homozygotes.

Submission:

Labcorp Genetics (formerly Invitae), Labcorp
Classification: Uncertain significance. Last evaluated: 2020-10-28. Review status: criteria provided, single submitter. Criteria: Invitae Variant Classification Sherloc (09022015). Collection method: clinical testing. Allele origin: germline.
Comment: In summary, the available evidence is currently insufficient to determine the role of this variant in disease. Therefore, it has been classified as a Variant of Uncertain Significance. Algorithms developed to predict the effect of missense changes on protein structure and function output the following: SIFT: "Tolerated"; PolyPhen-2: "Benign"; Align-GVGD: "Class C0". The glycine amino acid residue is found in multiple mammalian species, suggesting that this missense change does not adversely affect protein function. These predictions have not been confirmed by published functional studies and their clinical significance is uncertain. This variant has not been reported in the literature in individuals with TOPORS-related conditions. This variant is not present in population databases (ExAC no frequency). This sequence change replaces serine with glycine at codon 45 of the TOPORS protein (p.Ser45Gly). The serine residue is moderately conserved and there is a small physicochemical difference between serine and glycine.